The following is an entry in ClinVar:

NM_005228.5(EGFR):c.268C>A (p.Leu90Ile)

Gene: EGFR (epidermal growth factor receptor; plus strand). Cytogenetic location: 7p11.2.
Variant type: single nucleotide variant.
Coding change: c.268C>A on transcript NM_005228.5 (MANE Select); coding-DNA position 268, C replaced by A.
Protein change: p.Leu90Ile; replaces leucine 90 with isoleucine.
Molecular consequence: missense variant. On other transcripts: intron variant (1).
Genome position (GRCh38, 1-based): chr7:55,143,332, C>A. VCF-style: chr7-55143332-C-A. GRCh37 (hg19) VCF-style: chr7-55211025-C-A.
Other names: c.268C>A, p.Leu90Ile (NM_001346897.2, NM_001346898.2, NM_001346899.2 and 3 more transcripts); c.109C>A, p.Leu37Ile (NM_001346900.2); c.89-12498C>A (NM_001346941.2); short protein forms L90I, L37I.
Identifiers: ClinVar variation 1396810 (VCV001396810.6), dbSNP rs750399097, ClinGen allele CA367575677.

ClinVar aggregate classification (germline): Uncertain significance (1 of 4 stars; one submission).

Conditions:
EGFR-related lung cancer (EGFR). Identifiers: MedGen CN130014.

Submission:

Labcorp Genetics (formerly Invitae), Labcorp
Classification: Uncertain significance for EGFR-related lung cancer. Last evaluated: 2021-12-11. Review status: criteria provided, single submitter. Criteria: Invitae Variant Classification Sherloc (09022015). Collection method: clinical testing. Allele origin: germline.
Comment: This sequence change replaces leucine, which is neutral and non-polar, with isoleucine, which is neutral and non-polar, at codon 90 of the EGFR protein (p.Leu90Ile). In summary, the available evidence is currently insufficient to determine the role of this variant in disease. Therefore, it has been classified as a Variant of Uncertain Significance. Algorithms developed to predict the effect of missense changes on protein structure and function are either unavailable or do not agree on the potential impact of this missense change (SIFT: "Tolerated"; PolyPhen-2: "Probably Damaging"; Align-GVGD: "Class C0"). This variant has not been reported in the literature in individuals affected with EGFR-related conditions. This variant is not present in population databases (gnomAD no frequency).